The following is an entry in ClinVar:

NM_001127464.1:c.1202T>C

Gene: ZNF469 (zinc finger protein 469; plus strand).
Variant type: single nucleotide variant.
Identifiers: ClinVar variation 4615534 (VCV004615534.1).

ClinVar aggregate classification (germline): Uncertain significance (1 of 4 stars; one submission).

Conditions:
Cardiovascular phenotype. Identifiers: MedGen CN230736.

Submission:

Ambry Genetics
Classification: Uncertain significance for Cardiovascular phenotype. Last evaluated: 2025-12-07. Review status: criteria provided, single submitter. Criteria: Ambry Variant Classification Scheme 2023. Collection method: clinical testing. Allele origin: germline.
Comment: The p.L401P variant (also known as c.1202T>C), located in coding exon 1 of the ZNF469 gene, results from a T to C substitution at nucleotide position 1202. The leucine at codon 401 is replaced by proline, an amino acid with similar properties. This amino acid position is conserved. In addition, this alteration is predicted to be tolerated by in silico analysis. Based on the available evidence, the clinical significance of this variant remains unclear.